The following is an entry in ClinVar:

ClinVar aggregate classification (germline): Uncertain significance (1 of 4 stars; one submission).

Conditions:
Left ventricular noncompaction 8 (LVNC8). Identifiers: Orphanet 154, Orphanet 54260, MedGen C3809288, MONDO:0014152, OMIM 615373.

Submission:

Labcorp Genetics (formerly Invitae), Labcorp
Classification: Uncertain significance for Left ventricular noncompaction 8. Last evaluated: 2022-05-09. Review status: criteria provided, single submitter. Criteria: Invitae Variant Classification Sherloc (09022015). Collection method: clinical testing. Allele origin: germline.
Comment: Algorithms developed to predict the effect of missense changes on protein structure and function are either unavailable or do not agree on the potential impact of this missense change (SIFT: "Deleterious"; PolyPhen-2: "Benign"; Align-GVGD: "Class C0"). This sequence change replaces valine, which is neutral and non-polar, with methionine, which is neutral and non-polar, at codon 137 of the PRDM16 protein (p.Val137Met). This variant is not present in population databases (gnomAD no frequency). This variant has not been reported in the literature in individuals affected with PRDM16-related conditions. In summary, the available evidence is currently insufficient to determine the role of this variant in disease. Therefore, it has been classified as a Variant of Uncertain Significance.

NM_022114.4(PRDM16):c.409G>A (p.Val137Met)

Gene: PRDM16 (PR/SET domain 16; plus strand). Cytogenetic location: 1p36.32.
Variant type: single nucleotide variant.
Coding change: c.409G>A on transcript NM_022114.4 (MANE Select); coding-DNA position 409, G replaced by A.
Protein change: p.Val137Met; replaces valine 137 with methionine.
Molecular consequence: missense variant.
Genome position (GRCh38, 1-based): chr1:3,244,108, G>A. VCF-style: chr1-3244108-G-A. GRCh37 (hg19) VCF-style: chr1-3160672-G-A.
Other names: c.409G>A, p.Val137Met (NM_199454.3); short protein forms V137M.
Identifiers: ClinVar variation 1958185 (VCV001958185.5), dbSNP rs2523171432, ClinGen allele CA338216060.